The following is an entry in ClinVar:

ClinVar aggregate classification (germline): Likely pathogenic (1 of 4 stars; one submission).

Conditions:
Atypical hemolytic-uremic syndrome. Identifiers: Orphanet 2134, MedGen C2931788, MONDO:0016244.

gnomAD v4.1: 21 of 1,606,186 alleles (0.0013%); highest among the groups gnomAD compares: Non-Finnish European, 0.0018%; no homozygotes.

Submission:

Genomenon, Inc
Classification: Likely pathogenic for Atypical hemolytic-uremic syndrome. Last evaluated: 2026-09-17. Review status: criteria provided, single submitter. Criteria: Genomenon Sequence Variant Interpretation Standards - Updated. Collection method: curation. Allele origin: germline. Affected: yes.
Comment: DGKE p.Arg155Gly (c.463A>G) is a missense variant that changes the amino acid at codon 155 from Arginine to Glycine. This variant has been observed in at least one proband affected with atypical hemolytic-uremic syndrome (PMID:32386968). This variant is located in a mutational hotspot and/or important functional domain. It is absent or not present at a significant frequency in gnomAD. In silico models predict that this variant is possibly or probably damaging. In conclusion, we classify DGKE p.Arg155Gly (c.463A>G) as a likely pathogenic variant.

Literature cited by the submitters: PubMed 32386968.

NM_003647.3(DGKE):c.463A>G (p.Arg155Gly)

Gene: DGKE (diacylglycerol kinase epsilon; plus strand). Cytogenetic location: 17q22.
Variant type: single nucleotide variant.
Coding change: c.463A>G on transcript NM_003647.3 (MANE Select); coding-DNA position 463, A replaced by G.
Protein change: p.Arg155Gly; replaces arginine 155 with glycine.
Molecular consequence: missense variant.
Genome position (GRCh38, 1-based): chr17:56,835,258, A>G. VCF-style: chr17-56835258-A-G. GRCh37 (hg19) VCF-style: chr17-54912619-A-G.
Other names: short protein forms R155G.
Identifiers: ClinVar variation 4280357 (VCV004280357.2).
Genomic context (GRCh38, chr17:56,835,258, plus strand): 5'-TGCAGTTACTGTATGGTTTGCAAGCAGCAGTGTGGCTGTCAACCCAAGCTTTGCGATTAC[A>G]GGTATGGTCTTCGTGGACACTCACTGTCCCAGAATGCGCCGTGGGAATCAGGATTTCATA-3'
Protein context (NP_003638.1, residues 145-165): CGCQPKLCDY[Arg155Gly]CIWCQKTVHD